The following is an entry in ClinVar:

NM_001355436.2(SPTB):c.183G>A (p.Thr61=)

Gene: SPTB (spectrin beta, erythrocytic; minus strand). Cytogenetic location: 14q23.3.
Variant type: single nucleotide variant.
Coding change: c.183G>A on transcript NM_001355436.2 (MANE Select); coding-DNA position 183, G replaced by A.
Protein change: p.Thr61=; no amino-acid change (threonine 61 retained).
Molecular consequence: synonymous variant.
Genome position (GRCh38, 1-based): chr14:64,805,056, C>T on the plus strand (G>A on the coding strand, the complement: SPTB is on the minus strand). VCF-style: chr14-64805056-C-T. GRCh37 (hg19) VCF-style: chr14-65271774-C-T.
Other names: c.183G>A, p.Thr61= (NM_001024858.4, NM_001355437.2).
Identifiers: ClinVar variation 1640002 (VCV001640002.10), dbSNP rs149102226, ClinGen allele CA7231520.

ClinVar aggregate classification (germline): Benign/Likely benign. Review status: criteria provided, multiple submitters, no conflicts (2 of 4 stars). 2 submissions from 2 submitters: Benign (1); Likely benign (1). Last evaluated 2026-01-01.

Allele frequency attached by ClinVar (database versions not stated): gnomAD 0.00021 and 0.00024; TOPMed 0.00022; gnomAD exomes 0.00002 and 0.00010; ExAC 0.00011; ESP Exome Variant Server 0.00015.
gnomAD v4.1: 72 of 1,614,030 alleles (0.0045%); highest among the groups gnomAD compares: African/African-American, 0.065%; no homozygotes.

Submissions (2):

CeGaT Center for Human Genetics Tuebingen
Classification: Likely benign. Last evaluated: 2026-01-01. Review status: criteria provided, single submitter. Criteria: CeGaT Center For Human Genetics Tuebingen Variant Classification Criteria Version 2. Collection method: clinical testing. Allele origin: germline. Affected: yes. Observed: 1 variant allele.
Comment: SPTB: BP4, BP7

Labcorp Genetics (formerly Invitae), Labcorp
Classification: Benign. Last evaluated: 2025-05-26. Review status: criteria provided, single submitter. Criteria: Invitae Variant Classification Sherloc (09022015). Collection method: clinical testing. Allele origin: germline.